The following is an entry in ClinVar:

ClinVar aggregate classification (germline): Likely pathogenic (1 of 4 stars; one submission).

Submission:

GeneDx
Classification: Likely pathogenic. Last evaluated: 2026-02-04. Review status: criteria provided, single submitter. Criteria: GeneDx Variant Classification Process June 2021. Collection method: clinical testing. Allele origin: germline.
Comment: Not observed at significant frequency in large population cohorts (gnomAD); Has not been previously published as pathogenic or benign to our knowledge; Canonical splice site variant predicted to result in an in-frame loss of the adjacent exon in a gene for which loss of function is a known mechanism of disease

NM_080680.3(COL11A2):c.3852+1G>A

Gene: COL11A2 (collagen type XI alpha 2 chain; minus strand). Cytogenetic location: 6p21.32.
Variant type: single nucleotide variant.
Coding change: c.3852+1G>A on transcript NM_080680.3 (MANE Select); the canonical splice donor site of the intron after coding-DNA position 3852, G replaced by A.
Molecular consequence: splice donor variant.
Genome position (GRCh38, 1-based): chr6:33,168,954, C>T on the plus strand (G>A on the coding strand, the complement: COL11A2 is on the minus strand). VCF-style: chr6-33168954-C-T. GRCh37 (hg19) VCF-style: chr6-33136731-C-T.
Other names: c.2826+1G>A (NM_001424111.1, NM_001424110.1); c.3531+1G>A (NM_080679.3); c.3594+1G>A (NM_080681.3); c.3672+1G>A (NM_001424108.1); c.3006+1G>A (NM_001424109.1); c.1806+1G>A (NM_001424112.1).
Identifiers: ClinVar variation 3252582 (VCV003252582.2), dbSNP rs2150532832.